The following is an entry in ClinVar:

NM_001379200.1(TBX1):c.1004C>G (p.Ala335Gly)

Gene: TBX1 (T-box transcription factor 1; plus strand). Cytogenetic location: 22q11.21.
Variant type: single nucleotide variant.
Coding change: c.1004C>G on transcript NM_001379200.1 (MANE Select); coding-DNA position 1004, C replaced by G.
Protein change: p.Ala335Gly; replaces alanine 335 with glycine.
Molecular consequence: missense variant.
Genome position (GRCh38, 1-based): chr22:19,765,970, C>G. VCF-style: chr22-19765970-C-G. GRCh37 (hg19) VCF-style: chr22-19753493-C-G.
Other names: c.977C>G, p.Ala326Gly (NM_005992.1, NM_080646.2, NM_080647.1); short protein forms A335G, A326G.
Identifiers: ClinVar variation 4844247 (VCV004844247.1).

ClinVar aggregate classification (germline): Uncertain significance (1 of 4 stars; one submission).

Conditions:
Cardiovascular phenotype. Identifiers: MedGen CN230736.

Submission:

Ambry Genetics
Classification: Uncertain significance for Cardiovascular phenotype. Last evaluated: 2026-02-22. Review status: criteria provided, single submitter. Criteria: Ambry Variant Classification Scheme 2023. Collection method: clinical testing. Allele origin: germline.
Comment: The p.A326G variant (also known as c.977C>G), located in coding exon 7 of the TBX1 gene, results from a C to G substitution at nucleotide position 977. The alanine at codon 326 is replaced by glycine, an amino acid with similar properties. This amino acid position is conserved. In addition, this alteration is predicted to be tolerated by in silico analysis. Based on the available evidence, the clinical significance of this variant remains unclear.